The following is an entry in ClinVar:

ClinVar aggregate classification (germline): Pathogenic/Likely pathogenic. Review status: criteria provided, multiple submitters, no conflicts (2 of 4 stars). 4 submissions from 4 submitters: Pathogenic (1); Likely pathogenic (3). Last evaluated 2025-07-23.

Conditions:
Propionic acidemia (PROP). Also called: GLYCINEMIA, KETOTIC; HYPERGLYCINEMIA WITH KETOACIDOSIS AND LEUKOPENIA; KETOTIC HYPERGLYCINEMIA. Identifiers: Orphanet 35, MedGen C0268579, MONDO:0011628, OMIM 606054, HP:0003571.

Allele frequency attached by ClinVar (database versions not stated): gnomAD exomes below 0.00001.
gnomAD v4.1: 2 of 1,604,576 alleles (0.00012%); highest among the groups gnomAD compares: East Asian, 0.0022%; no homozygotes.

Submissions (4):

Natera, Inc.
Classification: Likely pathogenic for Propionic acidemia. Last evaluated: 2025-07-23. Review status: criteria provided, single submitter. Criteria: Natera Variant Classification Schema (03/2026). Collection method: clinical testing. Allele origin: germline.
Comment: The c.184-1G>A variant in PCCA is a canonical splice acceptor site variant predicted to affect pre-mRNA splicing, which may result in an abnormal transcript and altered protein product. This variant is expected to result in nonsense mediated decay, truncation, or a dysfunctional protein product. This variant is rare in the general population with a frequency below the threshold expected for the associated phenotype(s). Given the available evidence, this variant is classified as Likely Pathogenic.

Baylor Genetics
Classification: Likely pathogenic for Propionic acidemia. Last evaluated: 2023-12-14. Review status: criteria provided, single submitter. Criteria: ACMG Guidelines, 2015. Collection method: clinical testing. Allele origin: unknown.

Labcorp Genetics (formerly Invitae), Labcorp
Classification: Likely pathogenic for Propionic acidemia. Last evaluated: 2022-10-08. Review status: criteria provided, single submitter. Criteria: Invitae Variant Classification Sherloc (09022015). Collection method: clinical testing. Allele origin: germline.
Comment: In summary, the currently available evidence indicates that the variant is pathogenic, but additional data are needed to prove that conclusively. Therefore, this variant has been classified as Likely Pathogenic. Algorithms developed to predict the effect of sequence changes on RNA splicing suggest that this variant may disrupt the consensus splice site. ClinVar contains an entry for this variant (Variation ID: 218257). Disruption of this splice site has been observed in individual(s) with propionic academia (PMID: 27227689). This variant is not present in population databases (gnomAD no frequency). This sequence change affects an acceptor splice site in intron 2 of the PCCA gene. It is expected to disrupt RNA splicing. Variants that disrupt the donor or acceptor splice site typically lead to a loss of protein function (PMID: 16199547), and loss-of-function variants in PCCA are known to be pathogenic (PMID: 15464417).

Institute of Medical Genetics and Genomics, Sir Ganga Ram Hospital
Classification: Pathogenic for Propionic Acidemia. Last evaluated: 2012-01-01. Review status: criteria provided, single submitter. Criteria: Gupta et al. (Genet Test Mol Biomarkers 2016). Collection method: research. Allele origin: germline. Affected: yes. Observed: 1 variant allele. Study: ORGANIC ACIDURIAS.
Comment: Splice site mutation

Literature cited by the submitters: PubMed 27227689 (cited by Labcorp Genetics (formerly Invitae), Labcorp); PubMed 16199547 (cited by Labcorp Genetics (formerly Invitae), Labcorp); PubMed 15464417 (cited by Labcorp Genetics (formerly Invitae), Labcorp).

NM_000282.4(PCCA):c.184-1G>A

Gene: PCCA (propionyl-CoA carboxylase subunit alpha; plus strand). Cytogenetic location: 13q32.3.
Variant type: single nucleotide variant.
Coding change: c.184-1G>A on transcript NM_000282.4 (MANE Select); the canonical splice acceptor site of the intron before coding-DNA position 184, G replaced by A.
Molecular consequence: splice acceptor variant.
Genome position (GRCh38, 1-based): chr13:100,111,840, G>A. VCF-style: chr13-100111840-G-A. GRCh37 (hg19) VCF-style: chr13-100764094-G-A.
Other names: c.184-1G>A (NM_001178004.2, NM_001352605.2, NM_001352606.2 and 1 more transcripts); c.-683-1G>A (NM_001352610.2, NM_001352611.2, NM_001352612.2); c.106-1G>A (NM_001127692.3, NM_001352607.2, NM_001352608.2).
Identifiers: ClinVar variation 218257 (VCV000218257.8), dbSNP rs879253807, ClinGen allele CA10575822.